The following is an entry in ClinVar:

NM_002180.3(IGHMBP2):c.575T>A (p.Leu192Gln)

Gene: IGHMBP2 (immunoglobulin mu DNA binding protein 2; plus strand). Cytogenetic location: 11q13.3.
Variant type: single nucleotide variant.
Coding change: c.575T>A on transcript NM_002180.3 (MANE Select); coding-DNA position 575, T replaced by A.
Protein change: p.Leu192Gln; replaces leucine 192 with glutamine.
Molecular consequence: missense variant.
Genome position (GRCh38, 1-based): chr11:68,911,467, T>A. VCF-style: chr11-68911467-T-A. GRCh37 (hg19) VCF-style: chr11-68678935-T-A.
Other names: short protein forms L192Q.
Identifiers: ClinVar variation 245908 (VCV000245908.2), dbSNP rs879253996, ClinGen allele CA10584386.

ClinVar aggregate classification (germline): Uncertain significance (1 of 4 stars; one submission).

Allele frequency attached by ClinVar (database versions not stated): gnomAD exomes below 0.00001.
gnomAD v4.1: 1 of 1,614,104 alleles (0.000062%); highest among the groups gnomAD compares: Non-Finnish European, 0.000085%; no homozygotes.

Submission:

GeneDx
Classification: Uncertain significance. Last evaluated: 2015-09-21. Review status: criteria provided, single submitter. Criteria: GeneDx Variant Classification (06012015). Collection method: clinical testing. Allele origin: germline. Affected: yes.
Comment: The c.575 T>A variant has not been published as pathogenic, nor has it been reported as a benign polymorphism to our knowledge. It was not observed in approximately 6,500 individuals of European and African American ancestry in the NHLBI Exome Sequencing Project, indicating it is not a common benign variant in these populations. Multiple in silico algorithms predict that c.575 T>A may create a new cryptic splice acceptor site in intron 5, leading to abnormal splicing; however, this change is downstream of the natural splice acceptor site. Additionally, in the absence of RNA/functional studies the actual effect of the variant is unknown. If c.575 T>A does not alter splicing it will result in the L192Q missense substitution. The L192Q variant is a non-conservative amino acid substitution, which is likely to impact secondary protein structure as these residues differ in polarity, charge, size and/or other properties. This substitution occurs at a position that is conserved across species. A different amino acid substitution at this same position (L192P) and other missense variants in nearby residues (Q196R, A199P, F202V) have been reported in the Human Gene Mutation Database in association with SMARD1 (Stenson et al., 2014), supporting the functional importance of this region of the protein. Therefore, based on the currently available information, it is unclear whether this variant is a pathogenic variant or a rare benign variant.